The following is an entry in ClinVar:

NM_001257370.2(EME2):c.699C>T (p.Asp233=)

Gene: EME2 (essential meiotic structure-specific endonuclease subunit 2; plus strand). Cytogenetic location: 16p13.3.
Variant type: single nucleotide variant.
Coding change: c.699C>T on transcript NM_001257370.2 (MANE Select); coding-DNA position 699, C replaced by T.
Protein change: p.Asp233=; no amino-acid change (aspartic acid 233 retained).
Molecular consequence: synonymous variant.
Genome position (GRCh38, 1-based): chr16:1,775,604, C>T. VCF-style: chr16-1775604-C-T. GRCh37 (hg19) VCF-style: chr16-1825605-C-T.
Identifiers: ClinVar variation 2645947 (VCV002645947.24), dbSNP rs139103048, ClinGen allele CA7818841.
Genomic context (GRCh38, chr16:1,775,604, plus strand): 5'-GCCCATCAGCTTGCCTCCTCCCCAGGCCCTGGTACTCCTGCAGCTCTGGGCAAACCTGGA[C>T]GTGCTACTGGTGGCCTCTTGGCAGGAGCTGAGTCGGCACGTGTGCGCCGTTACCAAGGCT-3'
Protein context (NP_001244299.1, residues 223-243): LVLLQLWANL[Asp233=]VLLVASWQEL

ClinVar aggregate classification (germline): Likely benign (1 of 4 stars; one submission).

Allele frequency attached by ClinVar (database versions not stated): 1000 Genomes Project 0.00240; 1000 Genomes Project 30x 0.00265; gnomAD 0.00314; TOPMed 0.00321; gnomAD exomes 0.00326; ExAC 0.00331; ESP Exome Variant Server 0.00346.
gnomAD v4.1: 5,300 of 1,612,928 alleles (0.33%); highest among the groups gnomAD compares: Middle Eastern, 0.68%; 18 homozygotes.

Submission:

CeGaT Center for Human Genetics Tuebingen
Classification: Likely benign. Last evaluated: 2022-12-01. Review status: criteria provided, single submitter. Criteria: CeGaT Center For Human Genetics Tuebingen Variant Classification Criteria Version 2. Collection method: clinical testing. Allele origin: germline. Affected: yes. Observed: 1 variant allele.
Comment: EME2: BP4, BP7, BS2